The following is an entry in ClinVar:

ClinVar aggregate classification (germline): Uncertain significance (1 of 4 stars; one submission).

Conditions:
Primary ciliary dyskinesia. Also called: Ciliary dyskinesia. Identifiers: Orphanet 244, MedGen C0008780, MONDO:0016575, HP:0012265.

Submission:

Labcorp Genetics (formerly Invitae), Labcorp
Classification: Uncertain significance for Primary ciliary dyskinesia. Last evaluated: 2024-09-13. Review status: criteria provided, single submitter. Criteria: Invitae Variant Classification Sherloc (09022015). Collection method: clinical testing. Allele origin: germline.
Comment: This variant, c.2815_2862dup, results in the insertion of 16 amino acid(s) of the RPGR (ORF15) protein (p.Gly939_Glu954dup), but otherwise preserves the integrity of the reading frame. The frequency data for this variant in the population databases is considered unreliable, as metrics indicate insufficient coverage at this position in the gnomAD database. This variant has not been reported in the literature in individuals affected with RPGR (ORF15)-related conditions. In summary, the available evidence is currently insufficient to determine the role of this variant in disease. Therefore, it has been classified as a Variant of Uncertain Significance.

NM_001034853.2(RPGR):c.2815_2862dup (p.Glu954_Trp955insGlyGluGlyGluAspGlyGluGlyGluGlyGluGluGluGluGlyGlu)

Gene: RPGR (retinitis pigmentosa GTPase regulator; minus strand). Cytogenetic location: Xp11.4.
Variant type: Duplication.
Coding change: c.2815_2862dup on transcript NM_001034853.2 (MANE Select); coding-DNA positions 2815 to 2862, 48 bases duplicated.
Protein change: p.Glu954_Trp955insGlyGluGlyGluAspGlyGluGlyGluGlyGluGluGluGluGlyGlu.
Molecular consequence: intron variant (on NM_000328.3).
Genome position (GRCh38, 1-based): chrX:38,286,137-38,286,184, 48 bases duplicated; duplicating any 48 consecutive bases within chrX:38,286,137-38,286,217 gives the same sequence; the c. name uses the placement nearest the transcript's 3' end. GRCh37 (hg19): chrX:38,145,423-38,145,470.
Other names: c.1905+910_1905+957dup (NM_000328.3); c.1602+4775_1602+4822dup (NM_001367248.1); c.1569+4775_1569+4822dup (NM_001367249.1, NM_001367250.1); c.1902+910_1902+957dup (NM_001367245.1); c.1386+4775_1386+4822dup (NM_001367251.1); c.1719+910_1719+957dup (NM_001367246.1); c.1572+4775_1572+4822dup (NM_001367247.1).
Identifiers: ClinVar variation 3697882 (VCV003697882.2).